The following is an entry in ClinVar:

NM_005726.6(TSFM):c.647A>T (p.Tyr216Phe)

Gene: TSFM (Ts translation elongation factor, mitochondrial; plus strand). Cytogenetic location: 12q14.1.
Variant type: single nucleotide variant.
Coding change: c.647A>T on transcript NM_005726.6 (MANE Select); coding-DNA position 647, A replaced by T.
Protein change: p.Tyr216Phe; replaces tyrosine 216 with phenylalanine.
Molecular consequence: missense variant. On other transcripts: 3 prime UTR variant (1), intron variant (1).
Genome position (GRCh38, 1-based): chr12:57,796,252, A>T. VCF-style: chr12-57796252-A-T. GRCh37 (hg19) VCF-style: chr12-58190035-A-T.
Other names: c.*55A>T (NM_001172695.2); c.710A>T, p.Tyr237Phe (NM_001172696.2); c.571+3179A>T (NM_001172697.2); short protein forms Y216F, Y237F.
Identifiers: ClinVar variation 2165035 (VCV002165035.1), dbSNP rs755083567, ClinGen allele CA6659425.

ClinVar aggregate classification (germline): Uncertain significance (1 of 4 stars; one submission).

Allele frequency attached by ClinVar (database versions not stated): gnomAD exomes 0.00001; TOPMed 0.00001; ExAC 0.00003.
gnomAD v4.1: 8 of 1,613,432 alleles (0.0005%); highest among the groups gnomAD compares: Admixed American, 0.012%; no homozygotes.

Submission:

Labcorp Genetics (formerly Invitae), Labcorp
Classification: Uncertain significance. Last evaluated: 2021-12-30. Review status: criteria provided, single submitter. Criteria: Invitae Variant Classification Sherloc (09022015). Collection method: clinical testing. Allele origin: germline.
Comment: This sequence change replaces tyrosine, which is neutral and polar, with phenylalanine, which is neutral and non-polar, at codon 237 of the TSFM protein (p.Tyr237Phe). This variant is present in population databases (rs755083567, gnomAD 0.02%). This variant has not been reported in the literature in individuals affected with TSFM-related conditions. Algorithms developed to predict the effect of missense changes on protein structure and function are either unavailable or do not agree on the potential impact of this missense change (SIFT: "Tolerated"; PolyPhen-2: "Probably Damaging"; Align-GVGD: "Class C0"). In summary, the available evidence is currently insufficient to determine the role of this variant in disease. Therefore, it has been classified as a Variant of Uncertain Significance.